The following is an entry in ClinVar:

ClinVar aggregate classification (germline): Likely benign. Review status: criteria provided, multiple submitters, no conflicts (2 of 4 stars). 3 submissions from 3 submitters: Likely benign (3). Last evaluated 2025-11-03.

Conditions:
Ehlers-Danlos syndrome, classic type, 1 (EDSCL1). Also called: Ehlers-Danlos Syndrome, Classic Type, COL5A1-Related; EDS I; Ehlers-Danlos syndrome, type 1; EHLERS-DANLOS SYNDROME, GRAVIS TYPE; EHLERS-DANLOS SYNDROME, SEVERE CLASSIC TYPE. Identifiers: MedGen C0268335, MONDO:0019567, OMIM 130000.
Familial thoracic aortic aneurysm and aortic dissection (TAAD). Also called: Thoracic aortic aneurysms and dissections. Identifiers: Orphanet 91387, MedGen C4707243, MONDO:0019625.

Allele frequency attached by ClinVar (database versions not stated): gnomAD exomes 0.00006 and 0.00011; gnomAD 0.00001 and below 0.00001; 1000 Genomes Project 0.00020; 1000 Genomes Project 30x 0.00031; ExAC 0.00012.
gnomAD v4.1: 87 of 1,614,006 alleles (0.0054%); highest among the groups gnomAD compares: South Asian, 0.094%; no homozygotes.

Submissions (3):

Women's Health and Genetics/Laboratory Corporation of America, LabCorp
Classification: Likely benign. Last evaluated: 2025-11-03. Review status: criteria provided, single submitter. Criteria: LabCorp Variant Classification Summary - May 2015. Collection method: clinical testing. Allele origin: germline.
Comment: Variant summary: COL5A2 c.1351T>C (p.Ser451Pro) results in a non-conservative amino acid change in the encoded protein sequence. Algorithms developed to predict the effect of missense changes on protein structure and function are either unavailable or do not agree on the potential impact of this missense change. The variant allele was found at a frequency of 0.00011 in 251148 control chromosomes, predominantly at a frequency of 0.00091 within the South Asian subpopulation in the gnomAD database. The observed variant frequency within South Asian control individuals in the gnomAD database exceeds the estimated maximal expected allele frequency for disease-causing variants in COL5A2. To our knowledge, no occurrence of c.1351T>C in individuals affected with COL5A2-related conditions and no experimental evidence demonstrating its impact on protein function have been reported. ClinVar contains an entry for this variant (Variation ID: 519688). Based on the evidence outlined above, the variant was classified as likely benign.

Labcorp Genetics (formerly Invitae), Labcorp
Classification: Likely benign for Ehlers-Danlos syndrome, classic type, 1. Last evaluated: 2024-11-27. Review status: criteria provided, single submitter. Criteria: Invitae Variant Classification Sherloc (09022015). Collection method: clinical testing. Allele origin: germline.

Ambry Genetics
Classification: Likely benign for Familial thoracic aortic aneurysm and aortic dissection. Last evaluated: 2017-05-10. Review status: criteria provided, single submitter. Criteria: Ambry Variant Classification Scheme 2023. Collection method: clinical testing. Allele origin: germline.

NM_000393.5(COL5A2):c.1351T>C (p.Ser451Pro)

Gene: COL5A2 (collagen type V alpha 2 chain; minus strand). Cytogenetic location: 2q32.2.
Variant type: single nucleotide variant.
Coding change: c.1351T>C on transcript NM_000393.5 (MANE Select); coding-DNA position 1351, T replaced by C.
Protein change: p.Ser451Pro; replaces serine 451 with proline.
Molecular consequence: missense variant.
Genome position (GRCh38, 1-based): chr2:189,068,065, A>G on the plus strand (T>C on the coding strand, the complement: COL5A2 is on the minus strand). VCF-style: chr2-189068065-A-G. GRCh37 (hg19) VCF-style: chr2-189932791-A-G.
Other names: short protein forms S451P.
Identifiers: ClinVar variation 519688 (VCV000519688.16), dbSNP rs548441536, ClinGen allele CA2022733.